The following is an entry in ClinVar:

ClinVar aggregate classification (germline): Likely benign (0 of 4 stars; one submission).

Conditions:
GRK1-related disorder. Also called: GRK1-related condition.

Allele frequency attached by ClinVar (database versions not stated): TOPMed 0.00004; gnomAD 0.00005; ExAC 0.00006; 1000 Genomes Project 0.00020; 1000 Genomes Project 30x 0.00031.
gnomAD v4.1: 28 of 1,537,000 alleles (0.0018%); highest among the groups gnomAD compares: African/African-American, 0.0055%; no homozygotes.

Submission:

PreventionGenetics, part of Exact Sciences
Classification: Likely benign for GRK1-related condition. Last evaluated: 2019-08-15. Review status: no assertion criteria provided. Collection method: clinical testing. Allele origin: germline.
Comment: This variant is classified as likely benign based on ACMG/AMP sequence variant interpretation guidelines (Richards et al. 2015 PMID: 25741868, with internal and published modifications).

NM_002929.3(GRK1):c.1161G>A (p.Ala387=)

Gene: GRK1 (G protein-coupled receptor kinase 1; plus strand). Cytogenetic location: 13q34.
Variant type: single nucleotide variant.
Coding change: c.1161G>A on transcript NM_002929.3 (MANE Select); coding-DNA position 1161, G replaced by A.
Protein change: p.Ala387=; no amino-acid change (alanine 387 retained).
Molecular consequence: synonymous variant.
Genome position (GRCh38, 1-based): chr13:113,731,310, G>A. VCF-style: chr13-113731310-G-A. GRCh37 (hg19) VCF-style: chr13-114434283-G-A.
Identifiers: ClinVar variation 3052792 (VCV003052792.2), dbSNP rs552142937, ClinGen allele CA7066312.